The following is an entry in ClinVar:

NM_002618.4(PEX13):c.289A>G (p.Ser97Gly)

Gene: PEX13 (peroxisomal biogenesis factor 13; plus strand). Cytogenetic location: 2p15.
Variant type: single nucleotide variant.
Coding change: c.289A>G on transcript NM_002618.4 (MANE Select); coding-DNA position 289, A replaced by G.
Protein change: p.Ser97Gly; replaces serine 97 with glycine.
Molecular consequence: missense variant.
Genome position (GRCh38, 1-based): chr2:61,031,615, A>G. VCF-style: chr2-61031615-A-G. GRCh37 (hg19) VCF-style: chr2-61258750-A-G.
Other names: short protein forms S97G.
Identifiers: ClinVar variation 2201272 (VCV002201272.1), dbSNP rs774374085, ClinGen allele CA1673271.
Genomic context (GRCh38, chr2:61,031,615, plus strand): 5'-TCATTTTCTTCTGGATATGGTGCCTATGGAAATTCATTTTATGGAGGCTATAGTCCTTAT[A>G]GTTATGGATATAATGGGCTGGGCTACAACCGCCTCCGTGTAGATGATCTTCCACCCAGTA-3'
Protein context (NP_002609.1, residues 87-107): NSFYGGYSPY[Ser97Gly]YGYNGLGYNR

ClinVar aggregate classification (germline): Uncertain significance (1 of 4 stars; one submission).

Conditions:
Peroxisome biogenesis disorder 11A (Zellweger). Also called: Peroxisome biogenesis disorder 11A. Identifiers: Orphanet 912, MedGen C3554000, MONDO:0013949, OMIM 614883.

Allele frequency attached by ClinVar (database versions not stated): ExAC 0.00001; gnomAD 0.00001; gnomAD exomes 0.00001; TOPMed 0.00001.
gnomAD v4.1: 13 of 1,614,016 alleles (0.00081%); highest among the groups gnomAD compares: Non-Finnish European, 0.0011%; no homozygotes.

Submission:

Labcorp Genetics (formerly Invitae), Labcorp
Classification: Uncertain significance for Peroxisome biogenesis disorder 11A (Zellweger). Last evaluated: 2022-06-04. Review status: criteria provided, single submitter. Criteria: Invitae Variant Classification Sherloc (09022015). Collection method: clinical testing. Allele origin: germline.
Comment: This sequence change replaces serine, which is neutral and polar, with glycine, which is neutral and non-polar, at codon 97 of the PEX13 protein (p.Ser97Gly). This variant is present in population databases (rs774374085, gnomAD 0.002%). This variant has not been reported in the literature in individuals affected with PEX13-related conditions. Algorithms developed to predict the effect of missense changes on protein structure and function (SIFT, PolyPhen-2, Align-GVGD) all suggest that this variant is likely to be tolerated. In summary, the available evidence is currently insufficient to determine the role of this variant in disease. Therefore, it has been classified as a Variant of Uncertain Significance.